The following is an entry in ClinVar:

NM_015425.6(POLR1A):c.343dup (p.Ala115fs)

Gene: POLR1A (RNA polymerase I subunit A; minus strand). Cytogenetic location: 2p11.2.
Variant type: Duplication.
Coding change: c.343dup on transcript NM_015425.6 (MANE Select); coding-DNA position 343, one base duplicated (G; older notation c.343dupG).
Protein change: p.Ala115fs; shifts the reading frame from alanine 115.
Molecular consequence: frameshift variant.
Genome position (GRCh38, 1-based): chr2:86,098,700, C duplicated on the plus strand (G on the coding strand, the reverse complement: POLR1A is on the minus strand); the first of 3 consecutive C bases (chr2:86,098,700-86,098,702); duplicating any one gives the same sequence. VCF-style (leftmost placement, unchanged base first): chr2-86098699-G-GC. GRCh37 (hg19) VCF-style: chr2-86325822-G-GC.
Other names: short protein forms A115fs.
Identifiers: ClinVar variation 4818994 (VCV004818994.1).

ClinVar aggregate classification (germline): Uncertain significance (1 of 4 stars; one submission).

Conditions:
Acrofacial dysostosis Cincinnati type. Identifiers: Orphanet 1200, MedGen C4225317, MONDO:0014651, OMIM 616462.

Submission:

Victorian Clinical Genetics Services, Murdoch Childrens Research Institute
Classification: Uncertain significance for Acrofacial dysostosis Cincinnati type. Last evaluated: 2025-12-12. Review status: criteria provided, single submitter. Criteria: ACMG Guidelines, 2015. Collection method: clinical testing. Allele origin: germline. Affected: yes.
Comment: This variant is classified as VUS-3A. Evidence in support of pathogenic classification: Variant is predicted to cause nonsense-mediated decay (NMD) and loss of protein (premature termination codon is located at least 54 nucleotides upstream of the final exon-exon junction); Variant is present in gnomAD <0.001 for a dominant condition (v4: 2 heterozygote(s), 0 homozygote(s)). Additional information: This variant is heterozygous; This gene is associated with autosomal dominant disease. There is an emerging association with autosomal recessive leukodystrophy, hypomyelinating, 27 (MIM#620675) (PMIDs: 28051070, 36917474); Alternative NMD-predicted variants are present in gnomAD (highest allele count: v4: 13 heterozygote(s), 0 homozygote(s)); This variant has no previous evidence of pathogenicity; No published evidence of segregation with disease has been identified for this variant; No published functional evidence has been identified for this variant; Other NMD-predicted variant(s) comparable to the one identified in this case have conflicting previous evidence for pathogenicity. There are VUS, likely pathogenic and pathogenic classifications in ClinVar for alternative NMD-predicted variants in this gene. NMD-predicted variants reported in the literature in unrelated individuals with POLR1A-related features include one de novo case, one inherited from a mildly affected father, and three inherited from unaffected parents (PMIDs: 25913037, 37075751). Additionally, a single DECIPHER patient with unilateral cleft lip, global developmental delay and schizophrenia, has been reported to have a likely pathogenic NMD-predicted variant in trans with a VUS missense; The mechanism of disease for this gene is not clearly established. Dominant negative and loss of function are suggested mechanisms of disease associated with acrofacial dysostosis, Cincinnati type (MIM#616462; PMIDs: 25913037, 28051070, 36917474); Variants in this gene are known to have variable expressivity, with variable severity (PMIDs: 25913037, 37075751).

Literature cited by the submitters: PubMed 37075751; PubMed 36917474; PubMed 28051070; PubMed 25913037.